The following is an entry in ClinVar:

ClinVar aggregate classification (germline): Uncertain significance (1 of 4 stars; one submission).

Conditions:
Cardiovascular phenotype. Identifiers: MedGen CN230736.

gnomAD v4.1: 4 of 1,613,894 alleles (0.00025%); highest among the groups gnomAD compares: Non-Finnish European, 0.00034%; no homozygotes.

Submission:

Ambry Genetics
Classification: Uncertain significance for Cardiovascular phenotype. Last evaluated: 2025-05-02. Review status: criteria provided, single submitter. Criteria: Ambry Variant Classification Scheme 2023. Collection method: clinical testing. Allele origin: germline.
Comment: The p.P1545L variant (also known as c.4634C>T), located in coding exon 38 of the ANK2 gene, results from a C to T substitution at nucleotide position 4634. The proline at codon 1545 is replaced by leucine, an amino acid with similar properties. This amino acid position is conserved. In addition, the in silico prediction for this alteration is inconclusive. Based on the available evidence, the clinical significance of this variant remains unclear.

NM_001148.6(ANK2):c.4634C>T (p.Pro1545Leu)

Gene: ANK2 (ankyrin 2; plus strand). Cytogenetic location: 4q26.
Variant type: single nucleotide variant.
Coding change: c.4634C>T on transcript NM_001148.6 (MANE Select); coding-DNA position 4634, C replaced by T.
Protein change: p.Pro1545Leu; replaces proline 1545 with leucine.
Molecular consequence: missense variant. On other transcripts: intron variant (68).
Genome position (GRCh38, 1-based): chr4:113,353,252, C>T. VCF-style: chr4-113353252-C-T. GRCh37 (hg19) VCF-style: chr4-114274408-C-T.
Other names: c.4400C>T, p.Pro1467Leu (NM_001386142.1); c.1034C>T, p.Pro345Leu (NM_001386166.1); c.4775C>T, p.Pro1592Leu (NM_001386174.1); c.4751C>T, p.Pro1584Leu (NM_001386175.1); c.4411+3003C>T (NM_001386186.2, NM_001386148.2); c.4213+3003C>T (NM_001354269.3); c.4291+3003C>T (NM_001386187.2); c.4252+3003C>T (NM_001386147.1); and 35 more; short protein forms P1545L, P1592L, P1467L, P1584L, P345L.
Identifiers: ClinVar variation 4051023 (VCV004051023.1).